The following is an entry in ClinVar:

ClinVar aggregate classification (germline): Uncertain significance (1 of 4 stars; one submission).

Submission:

Labcorp Genetics (formerly Invitae), Labcorp
Classification: Uncertain significance. Last evaluated: 2025-09-03. Review status: criteria provided, single submitter. Criteria: Invitae Variant Classification Sherloc (09022015). Collection method: clinical testing. Allele origin: germline.
Comment: This sequence change replaces alanine, which is neutral and non-polar, with valine, which is neutral and non-polar, at codon 1461 of the MYH9 protein (p.Ala1461Val). This variant is not present in population databases (gnomAD no frequency). This variant has not been reported in the literature in individuals affected with MYH9-related conditions. Invitae Evidence Modeling of protein sequence and biophysical properties (such as structural, functional, and spatial information, amino acid conservation, physicochemical variation, residue mobility, and thermodynamic stability) indicates that this missense variant is not expected to disrupt MYH9 protein function with a negative predictive value of 95%. In summary, the available evidence is currently insufficient to determine the role of this variant in disease. Therefore, it has been classified as a Variant of Uncertain Significance.

NM_002473.6(MYH9):c.4382C>T (p.Ala1461Val)

Gene: MYH9 (myosin heavy chain 9; minus strand). Cytogenetic location: 22q12.3.
Variant type: single nucleotide variant.
Coding change: c.4382C>T on transcript NM_002473.6 (MANE Select); coding-DNA position 4382, C replaced by T.
Protein change: p.Ala1461Val; replaces alanine 1461 with valine.
Molecular consequence: missense variant.
Genome position (GRCh38, 1-based): chr22:36,289,260, G>A on the plus strand (C>T on the coding strand, the complement: MYH9 is on the minus strand). VCF-style: chr22-36289260-G-A. GRCh37 (hg19) VCF-style: chr22-36685306-G-A.
Other names: short protein forms A1461V.
Identifiers: ClinVar variation 4701540 (VCV004701540.1).
Genomic context (GRCh38, chr22:36,289,260, plus strand): 5'-AGCGACAGAGCCTTGGTCTCCTTCTCTCGGGCCTCCGCCTCAGCCCGGTCGCGCTCCTCT[G>A]CATACTTGGCAGAGATGGTCTTCTCCTCCGCCAGGAGCTGGGAAAGAGGTGGGCACCATG-3'
Protein context (NP_002464.1, residues 1451-1471): AEEKTISAKY[Ala1461Val]EERDRAEAEA